The following is an entry in ClinVar:

ClinVar aggregate classification (germline): Uncertain significance. Review status: criteria provided, multiple submitters, no conflicts (2 of 4 stars). 2 submissions from 2 submitters: Uncertain significance (2). Last evaluated 2023-11-28.

Conditions:
Episodic ataxia type 2 (EA2). Also called: ATAXIA, EPISODIC, WITH NYSTAGMUS; ATAXIA, FAMILIAL PAROXYSMAL; CEREBELLAR ATAXIA, PAROXYSMAL, ACETAZOLAMIDE-RESPONSIVE; CEREBELLOPATHY, HEREDITARY PAROXYSMAL; EPISODIC ATAXIA, NYSTAGMUS-ASSOCIATED; ACETAZOLAMIDE-RESPONSIVE HEREDITARY PAROXYSMAL CEREBELLAR ATAXIA. Identifiers: Orphanet 97, MedGen C1720416, MONDO:0007163, OMIM 108500.
Developmental and epileptic encephalopathy, 42 (DEE42A). Also called: DEVELOPMENTAL AND EPILEPTIC ENCEPHALOPATHY 42A; EPILEPTIC ENCEPHALOPATHY, EARLY INFANTILE, 42A; Epileptic encephalopathy, early infantile, 42. Identifiers: MedGen C4310716, MONDO:0014917, OMIM 617106.
Inborn genetic diseases. Identifiers: MedGen C0950123, MeSH D030342.

gnomAD v4.1: 5 of 1,520,648 alleles (0.00033%); highest among the groups gnomAD compares: Middle Eastern, 0.021%; no homozygotes.

Submissions (2):

Labcorp Genetics (formerly Invitae), Labcorp
Classification: Uncertain significance for Developmental and epileptic encephalopathy, 42; Episodic ataxia type 2. Last evaluated: 2023-11-28. Review status: criteria provided, single submitter. Criteria: Invitae Variant Classification Sherloc (09022015). Collection method: clinical testing. Allele origin: germline.
Comment: This sequence change replaces arginine, which is basic and polar, with proline, which is neutral and non-polar, at codon 957 of the CACNA1A protein (p.Arg957Pro). This variant is not present in population databases (gnomAD no frequency). This variant has not been reported in the literature in individuals affected with CACNA1A-related conditions. ClinVar contains an entry for this variant (Variation ID: 1797052). Advanced modeling of protein sequence and biophysical properties (such as structural, functional, and spatial information, amino acid conservation, physicochemical variation, residue mobility, and thermodynamic stability) has been performed at Invitae for this missense variant, however the output from this modeling did not meet the statistical confidence thresholds required to predict the impact of this variant on CACNA1A protein function. In summary, the available evidence is currently insufficient to determine the role of this variant in disease. Therefore, it has been classified as a Variant of Uncertain Significance.

Ambry Genetics
Classification: Uncertain significance for Inborn genetic diseases. Last evaluated: 2023-02-15. Review status: criteria provided, single submitter. Criteria: Ambry Variant Classification Scheme 2023. Collection method: clinical testing. Allele origin: germline.

NM_001127222.2(CACNA1A):c.2867G>C (p.Arg956Pro)

Gene: CACNA1A (calcium voltage-gated channel subunit alpha1 A; minus strand). Cytogenetic location: 19p13.13.
Variant type: single nucleotide variant.
Coding change: c.2867G>C on transcript NM_001127222.2 (MANE Select); coding-DNA position 2867, G replaced by C.
Protein change: p.Arg956Pro; replaces arginine 956 with proline.
Molecular consequence: missense variant.
Genome position (GRCh38, 1-based): chr19:13,298,766, C>G on the plus strand (G>C on the coding strand, the complement: CACNA1A is on the minus strand). VCF-style: chr19-13298766-C-G. GRCh37 (hg19) VCF-style: chr19-13409580-C-G.
Other names: c.2879G>C, p.Arg960Pro (NM_000068.4, NM_023035.3); c.2870G>C, p.Arg957Pro (NM_001127221.2, NM_001174080.2); short protein forms R956P, R960P, R957P.
Identifiers: ClinVar variation 1797052 (VCV001797052.7), dbSNP rs551380805, ClinGen allele CA404342557.